The following is an entry in ClinVar:

ClinVar aggregate classification (germline): Benign/Likely benign. Review status: criteria provided, multiple submitters, no conflicts (2 of 4 stars). 2 submissions from 2 submitters: Benign (1); Likely benign (1). Last evaluated 2024-07-03.

Conditions:
Hereditary cancer-predisposing syndrome. Also called: Hereditary Cancer Syndrome; Hereditary neoplastic syndrome; Neoplastic Syndromes, Hereditary; Tumor predisposition. Identifiers: Orphanet 140162, MedGen C0027672, MeSH D009386, MONDO:0015356.
Oligodontia-cancer predisposition syndrome. Also called: TOOTH AGENESIS-COLORECTAL CANCER SYNDROME. Identifiers: Orphanet 300576, MedGen C1837750, MONDO:0012075, OMIM 608615. Disease mechanism: loss of function.

Submissions (2):

Myriad Genetics, Inc.
Classification: Benign for Oligodontia-cancer predisposition syndrome. Last evaluated: 2024-07-03. Review status: criteria provided, single submitter. Criteria: Myriad Autosomal Dominant, Autosomal Recessive and X-Linked Classification Criteria (2023). Collection method: clinical testing. Allele origin: unknown.
Comment: This variant is considered benign. This variant is a silent/synonymous amino acid change and it is not expected to impact splicing.

Ambry Genetics
Classification: Likely benign for Hereditary cancer-predisposing syndrome. Last evaluated: 2022-05-16. Review status: criteria provided, single submitter. Criteria: Ambry Variant Classification Scheme 2023. Collection method: clinical testing. Allele origin: germline.

NM_004655.4(AXIN2):c.1497C>G (p.Leu499=)

Gene: AXIN2 (axin 2; minus strand). Cytogenetic location: 17q24.1.
Variant type: single nucleotide variant.
Coding change: c.1497C>G on transcript NM_004655.4 (MANE Select); coding-DNA position 1497, C replaced by G.
Protein change: p.Leu499=; no amino-acid change (leucine 499 retained).
Molecular consequence: synonymous variant.
Genome position (GRCh38, 1-based): chr17:65,537,539, G>C on the plus strand (C>G on the coding strand, the complement: AXIN2 is on the minus strand). VCF-style: chr17-65537539-G-C. GRCh37 (hg19) VCF-style: chr17-63533657-G-C.
Other names: c.1497C>G, p.Leu499= (NM_001363813.1).
Identifiers: ClinVar variation 1773899 (VCV001773899.3), dbSNP rs976214591, ClinGen allele CA293098258.